The following is an entry in ClinVar:

NM_001852.4(COL9A2):c.1313G>A (p.Arg438His)

Gene: COL9A2 (collagen type IX alpha 2 chain; minus strand). Cytogenetic location: 1p34.2.
Variant type: single nucleotide variant.
Coding change: c.1313G>A on transcript NM_001852.4 (MANE Select); coding-DNA position 1313, G replaced by A.
Protein change: p.Arg438His; replaces arginine 438 with histidine.
Molecular consequence: missense variant.
Genome position (GRCh38, 1-based): chr1:40,304,074, C>T on the plus strand (G>A on the coding strand, the complement: COL9A2 is on the minus strand). VCF-style: chr1-40304074-C-T. GRCh37 (hg19) VCF-style: chr1-40769746-C-T.
Other names: short protein forms R438H.
Identifiers: ClinVar variation 1442274 (VCV001442274.8), dbSNP rs755827145, ClinGen allele CA791496.
Genomic context (GRCh38, chr1:40,304,074, plus strand): 5'-GACGCAGAGCAGGGTTGGGGGTCGCTGGGAACAGGGGTGCTGGAACTCACCACTTTGCCG[C>T]GGGGCCCGGTCTTCCCTGGGGAGCCCTGGAGAAAGCGGGCAGTGAGGGGTTTGGCGAGCT-3'
Protein context (NP_001843.1, residues 428-448): DKGSPGKTGP[Arg438His]GKVGDPGVAG

ClinVar aggregate classification (germline): Uncertain significance (1 of 4 stars; one submission).

Allele frequency attached by ClinVar (database versions not stated): gnomAD exomes below 0.00001; gnomAD 0.00001; TOPMed 0.00001.
gnomAD v4.1: 2 of 1,575,656 alleles (0.00013%); highest among the groups gnomAD compares: Admixed American, 0.0019%; no homozygotes.

Submission:

Labcorp Genetics (formerly Invitae), Labcorp
Classification: Uncertain significance. Last evaluated: 2024-12-30. Review status: criteria provided, single submitter. Criteria: Invitae Variant Classification Sherloc (09022015). Collection method: clinical testing. Allele origin: germline.
Comment: This sequence change replaces arginine, which is basic and polar, with histidine, which is basic and polar, at codon 438 of the COL9A2 protein (p.Arg438His). This variant is not present in population databases (gnomAD no frequency). This variant has not been reported in the literature in individuals affected with COL9A2-related conditions. ClinVar contains an entry for this variant (Variation ID: 1442274). An algorithm developed to predict the effect of missense changes on protein structure and function (PolyPhen-2) suggests that this variant is likely to be disruptive. In summary, the available evidence is currently insufficient to determine the role of this variant in disease. Therefore, it has been classified as a Variant of Uncertain Significance.